The following is an entry in ClinVar:

ClinVar aggregate classification (germline): Uncertain significance (1 of 4 stars; one submission).

Conditions:
Hereditary cancer-predisposing syndrome. Also called: Hereditary Cancer Syndrome; Neoplastic Syndromes, Hereditary; Tumor predisposition; Hereditary neoplastic syndrome. Identifiers: Orphanet 140162, MedGen C0027672, MeSH D009386, MONDO:0015356.

Allele frequency attached by ClinVar (database versions not stated): TOPMed below 0.00001.

Submission:

Ambry Genetics
Classification: Uncertain significance for Hereditary cancer-predisposing syndrome. Last evaluated: 2017-07-20. Review status: criteria provided, single submitter. Criteria: Ambry Variant Classification Scheme 2023. Collection method: clinical testing. Allele origin: germline.
Comment: The p.R202K variant (also known as c.605G>A), located in coding exon 6 of the MRE11A gene, results from a G to A substitution at nucleotide position 605. The arginine at codon 202 is replaced by lysine, an amino acid with highly similar properties. This amino acid position is highly conserved in available vertebrate species. In addition, the in silico prediction for this alteration is inconclusive. Since supporting evidence is limited at this time, the clinical significance of this alteration remains unclear.

NM_005591.4(MRE11):c.605G>A (p.Arg202Lys)

Gene: MRE11 (MRE11 double strand break repair nuclease; minus strand). Cytogenetic location: 11q21.
Variant type: single nucleotide variant.
Coding change: c.605G>A on transcript NM_005591.4 (MANE Select); coding-DNA position 605, G replaced by A.
Protein change: p.Arg202Lys; replaces arginine 202 with lysine.
Molecular consequence: missense variant.
Genome position (GRCh38, 1-based): chr11:94,476,343, C>T on the plus strand (G>A on the coding strand, the complement: MRE11 is on the minus strand). VCF-style: chr11-94476343-C-T. GRCh37 (hg19) VCF-style: chr11-94209509-C-T.
Other names: c.605G>A, p.Arg202Lys (NM_001330347.2, NM_005590.4); short protein forms R202K.
Identifiers: ClinVar variation 479781 (VCV000479781.5), dbSNP rs1555014514, ClinGen allele CA382376801.